The following is an entry in ClinVar:

NM_024496.4(IRF2BPL):c.450_493del (p.Leu151fs)

Gene: IRF2BPL (interferon regulatory factor 2 binding protein like; minus strand). Cytogenetic location: 14q24.3.
Variant type: Deletion.
Coding change: c.450_493del on transcript NM_024496.4 (MANE Select); coding-DNA positions 450 to 493, 44 bases deleted.
Protein change: p.Leu151fs; shifts the reading frame from leucine 151.
Molecular consequence: frameshift variant.
Genome position (GRCh38, 1-based): chr14:77,027,300-77,027,343, 44 bases deleted; deleting any 44 consecutive bases within chr14:77,027,300-77,027,346 gives the same sequence; the c. name uses the placement nearest the transcript's 3' end. GRCh37 (hg19): chr14:77,493,646-77,493,689.
Other names: short protein forms L151fs.
Identifiers: ClinVar variation 1709669 (VCV001709669.2), dbSNP rs2503078108, ClinGen allele CA2580088801.

ClinVar aggregate classification (germline): Likely pathogenic (1 of 4 stars; one submission).

Conditions:
Neurodevelopmental disorder with regression, abnormal movements, loss of speech, and seizures. Identifiers: Orphanet 597623, MedGen C4748127, MONDO:0060759, OMIM 618088.

Submission:

MGZ Medical Genetics Center
Classification: Likely pathogenic for Neurodevelopmental disorder with regression, abnormal movements, loss of speech, and seizures. Last evaluated: 2022-07-26. Review status: criteria provided, single submitter. Criteria: ACMG Guidelines, 2015. Collection method: clinical testing. Allele origin: germline. Affected: yes. Observed: 1 variant allele.
Comment: ACMG criteria applied: PVS1, PM2_SUP